The following is an entry in ClinVar:

ClinVar aggregate classification (germline): Uncertain significance. Review status: criteria provided, multiple submitters, no conflicts (2 of 4 stars). 3 submissions from 3 submitters: Uncertain significance (3). Last evaluated 2024-10-15.

Conditions:
Inborn genetic diseases. Identifiers: MedGen C0950123, MeSH D030342.

Allele frequency attached by ClinVar (database versions not stated): ExAC 0.00002; gnomAD exomes 0.00002 and 0.00003; TOPMed 0.00003; gnomAD 0.00006 and 0.00008; ESP Exome Variant Server 0.00008.
gnomAD v4.1: 38 of 1,614,022 alleles (0.0024%); highest among the groups gnomAD compares: African/African-American, 0.011%; no homozygotes.

Submissions (3):

Labcorp Genetics (formerly Invitae), Labcorp
Classification: Uncertain significance. Last evaluated: 2024-10-15. Review status: criteria provided, single submitter. Criteria: Invitae Variant Classification Sherloc (09022015). Collection method: clinical testing. Allele origin: germline.
Comment: This sequence change replaces arginine, which is basic and polar, with histidine, which is basic and polar, at codon 1019 of the ARFGEF2 protein (p.Arg1019His). This variant is present in population databases (rs144322567, gnomAD 0.02%). This variant has not been reported in the literature in individuals affected with ARFGEF2-related conditions. ClinVar contains an entry for this variant (Variation ID: 446863). An algorithm developed to predict the effect of missense changes on protein structure and function (PolyPhen-2) suggests that this variant is likely to be tolerated. In summary, the available evidence is currently insufficient to determine the role of this variant in disease. Therefore, it has been classified as a Variant of Uncertain Significance.

Ambry Genetics
Classification: Uncertain significance for Inborn genetic diseases. Last evaluated: 2021-10-05. Review status: criteria provided, single submitter. Criteria: Ambry Variant Classification Scheme 2023. Collection method: clinical testing. Allele origin: germline.

Athena Diagnostics
Classification: Uncertain significance. Last evaluated: 2016-10-28. Review status: criteria provided, single submitter. Criteria: Athena Diagnostics Criteria. Collection method: clinical testing. Allele origin: germline.

NM_006420.3(ARFGEF2):c.3056G>A (p.Arg1019His)

Gene: ARFGEF2 (ARF guanine nucleotide exchange factor 2; plus strand). Cytogenetic location: 20q13.13.
Variant type: single nucleotide variant.
Coding change: c.3056G>A on transcript NM_006420.3 (MANE Select); coding-DNA position 3056, G replaced by A.
Protein change: p.Arg1019His; replaces arginine 1019 with histidine.
Molecular consequence: missense variant.
Genome position (GRCh38, 1-based): chr20:48,994,533, G>A. VCF-style: chr20-48994533-G-A. GRCh37 (hg19) VCF-style: chr20-47611070-G-A.
Other names: short protein forms R1019H.
Identifiers: ClinVar variation 446863 (VCV000446863.6), dbSNP rs144322567, ClinGen allele CA9898809.